The following is an entry in ClinVar:

ClinVar aggregate classification (germline): Conflicting classifications of pathogenicity. Review status: criteria provided, conflicting classifications (1 of 4 stars). 2 submissions from 2 submitters: Uncertain significance (1); Likely benign (1). Last evaluated 2025-06-22.

Conditions:
Inborn genetic diseases. Identifiers: MedGen C0950123, MeSH D030342.

Allele frequency attached by ClinVar (database versions not stated): gnomAD exomes below 0.00001; TOPMed below 0.00001; ExAC 0.00001; gnomAD 0.00002; ESP Exome Variant Server 0.00008.
gnomAD v4.1: 8 of 1,613,870 alleles (0.0005%); highest among the groups gnomAD compares: African/African-American, 0.004%; no homozygotes.

Submissions (2):

Labcorp Genetics (formerly Invitae), Labcorp
Classification: Uncertain significance. Last evaluated: 2025-06-22. Review status: criteria provided, single submitter. Criteria: Invitae Variant Classification Sherloc (09022015). Collection method: clinical testing. Allele origin: germline.
Comment: This sequence change replaces arginine, which is basic and polar, with cysteine, which is neutral and slightly polar, at codon 1686 of the KMT2A protein (p.Arg1686Cys). This variant is present in population databases (rs377724112, gnomAD 0.004%). This variant has not been reported in the literature in individuals affected with KMT2A-related conditions. ClinVar contains an entry for this variant (Variation ID: 1510606). Invitae Evidence Modeling of protein sequence and biophysical properties (such as structural, functional, and spatial information, amino acid conservation, physicochemical variation, residue mobility, and thermodynamic stability) indicates that this missense variant is not expected to disrupt KMT2A protein function with a negative predictive value of 95%. In summary, the available evidence is currently insufficient to determine the role of this variant in disease. Therefore, it has been classified as a Variant of Uncertain Significance.

Ambry Genetics
Classification: Likely benign for Inborn genetic diseases. Last evaluated: 2023-03-24. Review status: criteria provided, single submitter. Criteria: Ambry Variant Classification Scheme 2023. Collection method: clinical testing. Allele origin: germline.

NM_001197104.2(KMT2A):c.5056C>T (p.Arg1686Cys)

Gene: KMT2A (lysine methyltransferase 2A; plus strand). Cytogenetic location: 11q23.3.
Variant type: single nucleotide variant.
Coding change: c.5056C>T on transcript NM_001197104.2 (MANE Select); coding-DNA position 5056, C replaced by T.
Protein change: p.Arg1686Cys; replaces arginine 1686 with cysteine.
Molecular consequence: missense variant.
Genome position (GRCh38, 1-based): chr11:118,493,108, C>T. VCF-style: chr11-118493108-C-T. GRCh37 (hg19) VCF-style: chr11-118363823-C-T.
Other names: c.5056C>T (NM_001197104.1); c.5047C>T, p.Arg1683Cys (NM_005933.4); short protein forms R1686C, R1683C.
Identifiers: ClinVar variation 1510606 (VCV001510606.9), dbSNP rs377724112, ClinGen allele CA6304003.